The following is an entry in ClinVar:

NM_000440.3(PDE6A):c.1032C>T (p.Ser344=)

Gene: PDE6A (phosphodiesterase 6A; minus strand). Cytogenetic location: 5q32.
Variant type: single nucleotide variant.
Coding change: c.1032C>T on transcript NM_000440.3 (MANE Select); coding-DNA position 1032, C replaced by T.
Protein change: p.Ser344=; no amino-acid change (serine 344 retained).
Molecular consequence: synonymous variant.
Genome position (GRCh38, 1-based): chr5:149,907,345, G>A on the plus strand (C>T on the coding strand, the complement: PDE6A is on the minus strand). VCF-style: chr5-149907345-G-A. GRCh37 (hg19) VCF-style: chr5-149286908-G-A.
Other names: c.1032C>T (NM_000440.2).
Identifiers: ClinVar variation 1628905 (VCV001628905.12), dbSNP rs121918577, ClinGen allele CA3504829.
Genomic context (GRCh38, chr5:149,907,345, plus strand): 5'-CTCCCCCTTCAAAGTTATATTACTTACCAGGCCATTCTGGGCAACATAAGCTGGGAGACC[G>A]CTTACTAAAGCCCAATGGTCAGGAGGTGGATTCCTGTGAAGGCCAAAGACAAAACGGTGA-3'
Protein context (NP_000431.2, residues 334-354): NPPPDHWALV[Ser344=]GLPAYVAQNG

ClinVar aggregate classification (germline): Conflicting classifications of pathogenicity. Review status: criteria provided, conflicting classifications (1 of 4 stars). 4 submissions from 4 submitters: Uncertain significance (1); Likely benign (3). Last evaluated 2026-07-08.

Conditions:
PDE6A-related disorder. Also called: PDE6A-related condition.
Retinal dystrophy. Also called: Inherited retinal dystrophy. Identifiers: Orphanet 71862, MedGen C0854723, MeSH D058499, MONDO:0019118, HP:0000556.

Allele frequency attached by ClinVar (database versions not stated): gnomAD 0.00006 and 0.00014; TOPMed 0.00012; ExAC 0.00025; gnomAD exomes 0.00026; 1000 Genomes Project 0.00060; 1000 Genomes Project 30x 0.00062.
gnomAD v4.1: 294 of 1,613,828 alleles (0.018%); highest among the groups gnomAD compares: South Asian, 0.18%; 2 homozygotes.

Submissions (4):

PreventionGenetics, part of Exact Sciences
Classification: Likely benign for PDE6A-related condition. Last evaluated: 2026-07-08. Review status: criteria provided, single submitter. Criteria: ACMG Guidelines, 2015. Collection method: clinical testing. Allele origin: germline.
Comment: This variant is classified as likely benign based on ACMG/AMP sequence variant interpretation guidelines (Richards et al. 2015 PMID: 25741868, with internal and published modifications).

Labcorp Genetics (formerly Invitae), Labcorp
Classification: Likely benign. Last evaluated: 2025-07-21. Review status: criteria provided, single submitter. Criteria: Invitae Variant Classification Sherloc (09022015). Collection method: clinical testing. Allele origin: germline.

Blueprint Genetics
Classification: Likely benign. Last evaluated: 2024-09-05. Review status: criteria provided, single submitter. Criteria: ACMG Guidelines, 2015. Collection method: clinical testing. Allele origin: germline.

Dept Of Ophthalmology, Nagoya University
Classification: Uncertain significance for Retinal dystrophy. Last evaluated: 2023-10-01. Review status: criteria provided, single submitter. Criteria: Submitter's publication. Collection method: research. Allele origin: germline. Affected: yes.